The following is an entry in ClinVar:

NM_006231.4(POLE):c.5875A>G (p.Arg1959Gly)

Gene: POLE (DNA polymerase epsilon, catalytic subunit; minus strand). Cytogenetic location: 12q24.33.
Variant type: single nucleotide variant.
Coding change: c.5875A>G on transcript NM_006231.4 (MANE Select); coding-DNA position 5875, A replaced by G.
Protein change: p.Arg1959Gly; replaces arginine 1959 with glycine.
Molecular consequence: missense variant.
Genome position (GRCh38, 1-based): chr12:132,634,315, T>C on the plus strand (A>G on the coding strand, the complement: POLE is on the minus strand). VCF-style: chr12-132634315-T-C. GRCh37 (hg19) VCF-style: chr12-133210901-T-C.
Other names: c.5875A>G (NM_006231.2); short protein forms R1959G.
Identifiers: ClinVar variation 1025198 (VCV001025198.11), dbSNP rs1387788356, ClinGen allele CA387371695.

ClinVar aggregate classification (germline): Uncertain significance. Review status: criteria provided, multiple submitters, no conflicts (2 of 4 stars). 2 submissions from 2 submitters: Uncertain significance (2). Last evaluated 2024-11-10.

Conditions:
Hereditary cancer-predisposing syndrome. Also called: Neoplastic Syndromes, Hereditary; Tumor predisposition; Hereditary Cancer Syndrome; Hereditary neoplastic syndrome. Identifiers: Orphanet 140162, MedGen C0027672, MeSH D009386, MONDO:0015356.

Allele frequency attached by ClinVar (database versions not stated): gnomAD exomes 0.00001.

Submissions (2):

Labcorp Genetics (formerly Invitae), Labcorp
Classification: Uncertain significance. Last evaluated: 2024-11-10. Review status: criteria provided, single submitter. Criteria: Invitae Variant Classification Sherloc (09022015). Collection method: clinical testing. Allele origin: germline.
Comment: This sequence change replaces arginine, which is basic and polar, with glycine, which is neutral and non-polar, at codon 1959 of the POLE protein (p.Arg1959Gly). This variant is present in population databases (no rsID available, gnomAD 0.003%). This variant has not been reported in the literature in individuals affected with POLE-related conditions. ClinVar contains an entry for this variant (Variation ID: 1025198). An algorithm developed to predict the effect of missense changes on protein structure and function (PolyPhen-2) suggests that this variant is likely to be tolerated. In summary, the available evidence is currently insufficient to determine the role of this variant in disease. Therefore, it has been classified as a Variant of Uncertain Significance.

Ambry Genetics
Classification: Uncertain significance for Hereditary cancer-predisposing syndrome. Last evaluated: 2024-01-11. Review status: criteria provided, single submitter. Criteria: Ambry Variant Classification Scheme 2023. Collection method: clinical testing. Allele origin: germline.
Comment: The p.R1959G variant (also known as c.5875A>G), located in coding exon 43 of the POLE gene, results from an A to G substitution at nucleotide position 5875. The arginine at codon 1959 is replaced by glycine, an amino acid with dissimilar properties. This amino acid position is conserved. In addition, this alteration is predicted to be tolerated by in silico analysis. Since supporting evidence is limited at this time, the clinical significance of this alteration remains unclear.